The following is an entry in ClinVar:

ClinVar aggregate classification (germline): Uncertain significance. Review status: criteria provided, multiple submitters, no conflicts (2 of 4 stars). 4 submissions from 4 submitters: Uncertain significance (4). Last evaluated 2025-12-03.

Conditions:
Inborn genetic diseases. Identifiers: MedGen C0950123, MeSH D030342.
Neuropathy, hereditary sensory, type 1F. Also called: HSN IF; Hereditary sensory neuropathy type IF. Identifiers: Orphanet 36386, MedGen C3810194, MONDO:0014286, OMIM 615632.
ATL3-related disorder. Also called: ATL3-related condition.

Allele frequency attached by ClinVar (database versions not stated): ExAC 0.00003; gnomAD exomes 0.00003; ESP Exome Variant Server 0.00008; gnomAD 0.00014 and 0.00015; 1000 Genomes Project 0.00020; 1000 Genomes Project 30x 0.00031; TOPMed 0.00041.
gnomAD v4.1: 67 of 1,611,368 alleles (0.0042%); highest among the groups gnomAD compares: Admixed American, 0.052%; no homozygotes.

Submissions (4):

Labcorp Genetics (formerly Invitae), Labcorp
Classification: Uncertain significance for Neuropathy, hereditary sensory, type 1F. Last evaluated: 2025-12-03. Review status: criteria provided, single submitter. Criteria: Invitae Variant Classification Sherloc (09022015). Collection method: clinical testing. Allele origin: germline.
Comment: This sequence change replaces alanine, which is neutral and non-polar, with threonine, which is neutral and polar, at codon 508 of the ATL3 protein (p.Ala508Thr). This variant is present in population databases (rs183951324, gnomAD 0.009%). This variant has not been reported in the literature in individuals affected with ATL3-related conditions. ClinVar contains an entry for this variant (Variation ID: 541688). An algorithm developed to predict the effect of missense changes on protein structure and function outputs the following: PolyPhen-2: "Benign". The threonine amino acid residue is found in multiple mammalian species, which suggests that this missense change does not adversely affect protein function. In summary, the available evidence is currently insufficient to determine the role of this variant in disease. Therefore, it has been classified as a Variant of Uncertain Significance.

PreventionGenetics, part of Exact Sciences
Classification: Uncertain significance for ATL3-related condition. Last evaluated: 2025-12-02. Review status: criteria provided, single submitter. Criteria: ACMG Guidelines, 2015. Collection method: clinical testing. Allele origin: germline.
Comment: The ATL3 c.1522G>A variant is predicted to result in the amino acid substitution p.Ala508Thr. To our knowledge, this variant has not been reported in the literature. This variant is reported in 0.0065% of alleles in individuals of African descent in gnomAD. At this time, the clinical significance of this variant is uncertain due to the absence of conclusive functional and genetic evidence.

Ambry Genetics
Classification: Uncertain significance for Inborn genetic diseases. Last evaluated: 2023-04-25. Review status: criteria provided, single submitter. Criteria: Ambry Variant Classification Scheme 2023. Collection method: clinical testing. Allele origin: germline.

Blueprint Genetics
Classification: Uncertain significance. Last evaluated: 2022-06-13. Review status: criteria provided, single submitter. Criteria: ACMG Guidelines, 2015. Collection method: clinical testing. Allele origin: germline.

NM_015459.5(ATL3):c.1522G>A (p.Ala508Thr)

Genes: ATL3 (atlastin GTPase 3; minus strand), LNCROPM (lncRNA regulator of PLAAT3 mediated phospholipid metabolism; plus strand). Cytogenetic location: 11q13.1.
Variant type: single nucleotide variant.
Coding change: c.1522G>A on transcript NM_015459.5 (MANE Select); coding-DNA position 1522, G replaced by A.
Protein change: p.Ala508Thr; replaces alanine 508 with threonine.
Molecular consequence: missense variant.
Genome position (GRCh38, 1-based): chr11:63,631,057, C>T on the plus strand (G>A on the coding strand, the complement: ATL3 is on the minus strand). VCF-style: chr11-63631057-C-T. GRCh37 (hg19) VCF-style: chr11-63398529-C-T.
Other names: c.1468G>A, p.Ala490Thr (NM_001290048.2); short protein forms A490T, A508T.
Identifiers: ClinVar variation 541688 (VCV000541688.13), dbSNP rs183951324, ClinGen allele CA6063504.